The following is an entry in ClinVar:

ClinVar aggregate classification (germline): Uncertain significance. Review status: criteria provided, multiple submitters, no conflicts (2 of 4 stars). 2 submissions from 2 submitters: Uncertain significance (2). Last evaluated 2025-06-06.

Allele frequency attached by ClinVar (database versions not stated): gnomAD 0.00001; gnomAD exomes 0.00002; TOPMed 0.00002; ExAC 0.00003; ESP Exome Variant Server 0.00009.
gnomAD v4.1: 8 of 1,210,732 alleles (0.00066%); highest among the groups gnomAD compares: Admixed American, 0.015%; no homozygotes.

Submissions (2):

Ambry Genetics
Classification: Uncertain significance. Last evaluated: 2025-06-06. Review status: criteria provided, single submitter. Criteria: Ambry Variant Classification Scheme 2023. Collection method: clinical testing. Allele origin: germline.

Labcorp Genetics (formerly Invitae), Labcorp
Classification: Uncertain significance. Last evaluated: 2023-10-08. Review status: criteria provided, single submitter. Criteria: Invitae Variant Classification Sherloc (09022015). Collection method: clinical testing. Allele origin: germline.
Comment: This sequence change replaces valine, which is neutral and non-polar, with leucine, which is neutral and non-polar, at codon 697 of the DRP2 protein (p.Val697Leu). This variant is present in population databases (rs373963470, gnomAD 0.03%). This variant has not been reported in the literature in individuals affected with DRP2-related conditions. Advanced modeling of protein sequence and biophysical properties (such as structural, functional, and spatial information, amino acid conservation, physicochemical variation, residue mobility, and thermodynamic stability) has been performed at Invitae for this missense variant, however the output from this modeling did not meet the statistical confidence thresholds required to predict the impact of this variant on DRP2 protein function. In summary, the available evidence is currently insufficient to determine the role of this variant in disease. Therefore, it has been classified as a Variant of Uncertain Significance.

NM_001939.3(DRP2):c.2089G>C (p.Val697Leu)

Gene: DRP2 (dystrophin related protein 2; plus strand). Cytogenetic location: Xq22.1.
Variant type: single nucleotide variant.
Coding change: c.2089G>C on transcript NM_001939.3 (MANE Select); coding-DNA position 2089, G replaced by C.
Protein change: p.Val697Leu; replaces valine 697 with leucine.
Molecular consequence: missense variant.
Genome position (GRCh38, 1-based): chrX:101,254,536, G>C. VCF-style: chrX-101254536-G-C. GRCh37 (hg19) VCF-style: chrX-100509525-G-C.
Other names: c.2089G>C (NM_001939.2); c.1855G>C, p.Val619Leu (NM_001171184.2); short protein forms V619L, V697L.
Identifiers: ClinVar variation 2965329 (VCV002965329.4), dbSNP rs373963470, ClinGen allele CA10472397.